The following is an entry in ClinVar:

NM_004963.4(GUCY2C):c.1239C>G (p.Phe413Leu)

Genes: GUCY2C (guanylate cyclase 2C; minus strand), GUCY2C-AS1 (GUCY2C antisense RNA 1; plus strand). Cytogenetic location: 12p12.3.
Variant type: single nucleotide variant.
Coding change: c.1239C>G on transcript NM_004963.4 (MANE Select); coding-DNA position 1239, C replaced by G.
Protein change: p.Phe413Leu; replaces phenylalanine 413 with leucine.
Molecular consequence: missense variant.
Genome position (GRCh38, 1-based): chr12:14,669,765, G>C on the plus strand (C>G on the coding strand, the complement: GUCY2C is on the minus strand). VCF-style: chr12-14669765-G-C. GRCh37 (hg19) VCF-style: chr12-14822699-G-C.
Other names: short protein forms F413L.
Identifiers: ClinVar variation 3103298 (VCV003103298.2), dbSNP rs748055433, ClinGen allele CA6463492.

ClinVar aggregate classification (germline): Uncertain significance. Review status: criteria provided, multiple submitters, no conflicts (2 of 4 stars). 2 submissions from 2 submitters: Uncertain significance (2). Last evaluated 2025-03-22.

Conditions:
Inborn genetic diseases. Identifiers: MedGen C0950123, MeSH D030342.

gnomAD v4.1: 16 of 1,605,148 alleles (0.001%); highest among the groups gnomAD compares: East Asian, 0.034%; no homozygotes.

Submissions (2):

Labcorp Genetics (formerly Invitae), Labcorp
Classification: Uncertain significance. Last evaluated: 2025-03-22. Review status: criteria provided, single submitter. Criteria: Invitae Variant Classification Sherloc (09022015). Collection method: clinical testing. Allele origin: germline.
Comment: This sequence change replaces phenylalanine, which is neutral and non-polar, with leucine, which is neutral and non-polar, at codon 413 of the GUCY2C protein (p.Phe413Leu). This variant is present in population databases (rs748055433, gnomAD 0.1%). This variant has not been reported in the literature in individuals affected with GUCY2C-related conditions. ClinVar contains an entry for this variant (Variation ID: 3103298). Invitae Evidence Modeling of protein sequence and biophysical properties (such as structural, functional, and spatial information, amino acid conservation, physicochemical variation, residue mobility, and thermodynamic stability) indicates that this missense variant is not expected to disrupt GUCY2C protein function with a negative predictive value of 80%. In summary, the available evidence is currently insufficient to determine the role of this variant in disease. Therefore, it has been classified as a Variant of Uncertain Significance.

Ambry Genetics
Classification: Uncertain significance for Inborn genetic diseases. Last evaluated: 2023-09-25. Review status: criteria provided, single submitter. Criteria: Ambry Variant Classification Scheme 2023. Collection method: clinical testing. Allele origin: germline.